The following is an entry in ClinVar:

ClinVar aggregate classification (germline): Uncertain significance. Review status: criteria provided, multiple submitters, no conflicts (2 of 4 stars). 2 submissions from 2 submitters: Uncertain significance (2). Last evaluated 2024-11-28.

Conditions:
Malignant tumor of urinary bladder. Also called: Urinary bladder cancer; Bladder cancer; Urinary Bladder Neoplasms. Identifiers: MedGen C0005684, MONDO:0001187, OMIM 109800.
Hereditary cancer-predisposing syndrome. Also called: Neoplastic Syndromes, Hereditary; Tumor predisposition; Hereditary neoplastic syndrome; Hereditary Cancer Syndrome. Identifiers: Orphanet 140162, MedGen C0027672, MeSH D009386, MONDO:0015356.

Submissions (2):

Ambry Genetics
Classification: Uncertain significance for Hereditary cancer-predisposing syndrome. Last evaluated: 2024-11-28. Review status: criteria provided, single submitter. Criteria: Ambry Variant Classification Scheme 2023. Collection method: clinical testing. Allele origin: germline.
Comment: The p.Q266K variant (also known as c.796C>A), located in coding exon 8 of the RB1 gene, results from a C to A substitution at nucleotide position 796. The glutamine at codon 266 is replaced by lysine, an amino acid with similar properties. This amino acid position is conserved. In addition, this alteration is predicted to be deleterious by in silico analysis. Based on the available evidence, the clinical significance of this variant remains unclear.

Baylor Genetics
Classification: Uncertain significance for Malignant tumor of urinary bladder. Last evaluated: 2024-02-10. Review status: criteria provided, single submitter. Criteria: ACMG Guidelines, 2015. Collection method: clinical testing. Allele origin: unknown.

NM_000321.3(RB1):c.796C>A (p.Gln266Lys)

Gene: RB1 (RB transcriptional corepressor 1; plus strand). Cytogenetic location: 13q14.2.
Variant type: single nucleotide variant.
Coding change: c.796C>A on transcript NM_000321.3 (MANE Select); coding-DNA position 796, C replaced by A.
Protein change: p.Gln266Lys; replaces glutamine 266 with lysine.
Molecular consequence: missense variant.
Genome position (GRCh38, 1-based): chr13:48,362,892, C>A. VCF-style: chr13-48362892-C-A. GRCh37 (hg19) VCF-style: chr13-48937028-C-A.
Other names: c.796C>A, p.Gln266Lys (NM_001407165.1, NM_001407166.1); short protein forms Q266K.
Identifiers: ClinVar variation 3240291 (VCV003240291.2), dbSNP rs2138112509.